The following is an entry in ClinVar:

NM_203486.3(DLL3):c.1258G>C (p.Gly420Arg)

Genes: DLL3 (delta like canonical Notch ligand 3; plus strand), LOC130064418 (ATAC-STARR-seq lymphoblastoid silent region 10609; plus strand). Cytogenetic location: 19q13.2.
Variant type: single nucleotide variant.
Coding change: c.1258G>C on transcript NM_203486.3 (MANE Select); coding-DNA position 1258, G replaced by C.
Protein change: p.Gly420Arg; replaces glycine 420 with arginine.
Molecular consequence: missense variant.
Genome position (GRCh38, 1-based): chr19:39,507,203, G>C. VCF-style: chr19-39507203-G-C. GRCh37 (hg19) VCF-style: chr19-39997843-G-C.
Other names: c.1258G>C, p.Gly420Arg (NM_016941.4); short protein forms G420R.
Identifiers: ClinVar variation 1010057 (VCV001010057.10), dbSNP rs978432882, ClinGen allele CA308256289.

ClinVar aggregate classification (germline): Uncertain significance (1 of 4 stars; one submission).

Submission:

Labcorp Genetics (formerly Invitae), Labcorp
Classification: Uncertain significance. Last evaluated: 2020-03-06. Review status: criteria provided, single submitter. Criteria: Invitae Variant Classification Sherloc (09022015). Collection method: clinical testing. Allele origin: germline.
Comment: Algorithms developed to predict the effect of missense changes on protein structure and function are either unavailable or do not agree on the potential impact of this missense change (SIFT: "Deleterious"; PolyPhen-2: "Probably Damaging"; Align-GVGD: "Class C15"). In summary, the available evidence is currently insufficient to determine the role of this variant in disease. Therefore, it has been classified as a Variant of Uncertain Significance. This variant has not been reported in the literature in individuals with DLL3-related conditions. The frequency data for this variant in the population databases is considered unreliable, as metrics indicate insufficient coverage at this position in the ExAC database. This sequence change replaces glycine with arginine at codon 420 of the DLL3 protein (p.Gly420Arg). The glycine residue is highly conserved and there is a moderate physicochemical difference between glycine and arginine.